The following is an entry in ClinVar:

ClinVar aggregate classification (germline): Likely benign (1 of 4 stars; one submission).

Submission:

CeGaT Center for Human Genetics Tuebingen
Classification: Likely benign. Last evaluated: 2026-04-01. Review status: criteria provided, single submitter. Criteria: CeGaT Center For Human Genetics Tuebingen Variant Classification Criteria Version 2. Collection method: clinical testing. Allele origin: germline. Affected: yes. Observed: 2 variant alleles.
Comment: HYDIN: BP4, BP7

NM_001270974.2(HYDIN):c.11322G>A (p.Thr3774=)

Gene: HYDIN (HYDIN axonemal central pair apparatus protein; minus strand). Cytogenetic location: 16q22.2.
Variant type: single nucleotide variant.
Coding change: c.11322G>A on transcript NM_001270974.2 (MANE Select); coding-DNA position 11322, G replaced by A.
Protein change: p.Thr3774=; no amino-acid change (threonine 3774 retained).
Molecular consequence: synonymous variant.
Genome position (GRCh38, 1-based): chr16:70,866,318, C>T on the plus strand (G>A on the coding strand, the complement: HYDIN is on the minus strand). VCF-style: chr16-70866318-C-T. GRCh37 (hg19) VCF-style: chr16-70900221-C-T.
Identifiers: ClinVar variation 4083655 (VCV004083655.8).